The following is an entry in ClinVar:

NM_002637.4(PHKA1):c.3072+2T>G

Gene: PHKA1 (phosphorylase kinase regulatory subunit alpha 1; minus strand). Cytogenetic location: Xq13.1.
Variant type: single nucleotide variant.
Coding change: c.3072+2T>G on transcript NM_002637.4 (MANE Select); the canonical splice donor site of the intron after coding-DNA position 3072, T replaced by G.
Molecular consequence: splice donor variant. On other transcripts: intron variant (4).
Genome position (GRCh38, 1-based): chrX:72,601,989, A>C on the plus strand (T>G on the coding strand, the complement: PHKA1 is on the minus strand). VCF-style: chrX-72601989-A-C. GRCh37 (hg19) VCF-style: chrX-71821839-A-C.
Other names: c.2856+169T>G (NM_001440788.1, NM_001172436.2); c.3033+169T>G (NM_001440787.1, NM_001122670.2); c.3072+2T>G (NM_001431068.1).
Identifiers: ClinVar variation 4730350 (VCV004730350.1).

ClinVar aggregate classification (germline): Likely pathogenic (1 of 4 stars; one submission).

Conditions:
Glycogen storage disease IXd (GSD9D). Also called: GSD IXd; Muscle Phosphorylase Kinase Deficiency. Identifiers: Orphanet 715, MedGen C1845151, MONDO:0010362, OMIM 300559.

Submission:

Labcorp Genetics (formerly Invitae), Labcorp
Classification: Likely pathogenic for Glycogen storage disease IXd. Last evaluated: 2025-11-03. Review status: criteria provided, single submitter. Criteria: Invitae Variant Classification Sherloc (09022015). Collection method: clinical testing. Allele origin: germline.
Comment: This sequence change affects a donor splice site in intron 28 of the PHKA1 gene. It is expected to disrupt RNA splicing. Variants that disrupt the donor or acceptor splice site typically lead to a loss of protein function (PMID: 16199547), and loss-of-function variants in PHKA1 are known to be pathogenic (PMID: 9731190, 15637709). This variant is not present in population databases (gnomAD no frequency). This variant has not been reported in the literature in individuals affected with PHKA1-related conditions. Algorithms developed to predict the effect of sequence changes on RNA splicing suggest that this variant may disrupt the consensus splice site. In summary, the currently available evidence indicates that the variant is pathogenic, but additional data are needed to prove that conclusively. Therefore, this variant has been classified as Likely Pathogenic.

Literature cited by the submitters: PubMed 16199547; PubMed 9731190; PubMed 15637709.